The following is an entry in ClinVar:

ClinVar aggregate classification (germline): Uncertain significance (1 of 4 stars; one submission).

gnomAD v4.1: 4 of 1,579,500 alleles (0.00025%); highest among the groups gnomAD compares: Non-Finnish European, 0.00034%; no homozygotes.

Submission:

Ambry Genetics
Classification: Uncertain significance. Last evaluated: 2025-05-15. Review status: criteria provided, single submitter. Criteria: Ambry Variant Classification Scheme 2023. Collection method: clinical testing. Allele origin: germline.
Comment: The p.S1728T variant (also known as c.5182T>A), located in coding exon 22 of the WNK2 gene, results from a T to A substitution at nucleotide position 5182. The serine at codon 1728 is replaced by threonine, an amino acid with similar properties. This amino acid position is conserved. In addition, this alteration is predicted to be tolerated by in silico analysis. Based on the available evidence, the clinical significance of this variant remains unclear.

NM_006648.4(WNK2):c.5182T>A (p.Ser1728Thr)

Gene: WNK2 (WNK lysine deficient protein kinase 2; plus strand). Cytogenetic location: 9q22.31.
Variant type: single nucleotide variant.
Coding change: c.5182T>A on transcript NM_006648.4 (MANE Select); coding-DNA position 5182, T replaced by A.
Protein change: p.Ser1728Thr; replaces serine 1728 with threonine.
Molecular consequence: missense variant.
Genome position (GRCh38, 1-based): chr9:93,292,647, T>A. VCF-style: chr9-93292647-T-A. GRCh37 (hg19) VCF-style: chr9-96054929-T-A.
Other names: c.5293T>A, p.Ser1765Thr (NM_001282394.3); short protein forms S1728T, S1765T.
Identifiers: ClinVar variation 3982031 (VCV003982031.1).